The following is an entry in ClinVar:

ClinVar aggregate classification (germline): Uncertain significance (1 of 4 stars; one submission).

Conditions:
Cystic fibrosis (CF). Also called: MUCOVISCIDOSIS. Identifiers: Orphanet 586, MedGen C0010674, MONDO:0009061, OMIM 219700. Disease mechanism: loss of function.

gnomAD v4.1: 1 of 1,613,844 alleles (0.000062%); highest among the groups gnomAD compares: African/African-American, 0.0013%; no homozygotes.

Submission:

Ambry Genetics
Classification: Uncertain significance for Cystic fibrosis. Last evaluated: 2024-06-21. Review status: criteria provided, single submitter. Criteria: Ambry Variant Classification Scheme 2023. Collection method: clinical testing. Allele origin: germline.
Comment: The p.Q1476H variant (also known as c.4428A>C), located in coding exon 27 of the CFTR gene, results from an A to C substitution at nucleotide position 4428. The glutamine at codon 1476 is replaced by histidine, an amino acid with highly similar properties. This amino acid position is conserved. In addition, this alteration is predicted to be tolerated by in silico analysis. Based on the available evidence, the clinical significance of this variant remains unclear.

NM_000492.4(CFTR):c.4428A>C (p.Gln1476His)

Genes: CFTR (CF transmembrane conductance regulator; plus strand), LOC111674477 (CFTR intron 23 enhancer; plus strand). Cytogenetic location: 7q31.2.
Variant type: single nucleotide variant.
Coding change: c.4428A>C on transcript NM_000492.4 (MANE Select); coding-DNA position 4428, A replaced by C.
Protein change: p.Gln1476His; replaces glutamine 1476 with histidine.
Molecular consequence: missense variant.
Genome position (GRCh38, 1-based): chr7:117,667,093, A>C. VCF-style: chr7-117667093-A-C. GRCh37 (hg19) VCF-style: chr7-117307147-A-C.
Other names: short protein forms Q1476H.
Identifiers: ClinVar variation 3266702 (VCV003266702.1).
Genomic context (GRCh38, chr7:117,667,093, plus strand): 5'-CAAGTGCAAGTCTAAGCCCCAGATTGCTGCTCTGAAAGAGGAGACAGAAGAAGAGGTGCA[A>C]GATACAAGGCTTTAGAGAGCAGCATAAATGTTGACATGGGACATTTGCTCATGGAATTGG-3'
Protein context (NP_000483.3, residues 1466-1480): ALKEETEEEV[Gln1476His]DTRL